The following is an entry in ClinVar:

ClinVar aggregate classification (germline): Likely pathogenic. Review status: criteria provided, multiple submitters, no conflicts (2 of 4 stars). 2 submissions from 2 submitters: Likely pathogenic (2). Last evaluated 2026-03-11.

Conditions:
IRF6-related condition. Also called: IRF6-related disorder; IRF6-Related Disorders. Identifiers: MedGen CN378148, MONDO:1040010.
Inborn genetic diseases. Identifiers: MedGen C0950123, MeSH D030342.

Submissions (2):

Ambry Genetics
Classification: Likely pathogenic for Inborn genetic diseases. Last evaluated: 2026-03-11. Review status: criteria provided, single submitter. Criteria: Ambry Variant Classification Scheme 2023. Collection method: clinical testing. Allele origin: germline.
Comment: The c.1051T>C (p.F351L) alteration is located in exon 7 (coding exon 5) of the IRF6 gene. This alteration results from a T to C substitution at nucleotide position 1051, causing the phenylalanine (F) at amino acid position 351 to be replaced by a leucine (L). This variant was not reported in population-based cohorts in the Genome Aggregation Database (gnomAD). This variant was reported in individual(s) with features consistent with IRF6-related disorders (Leslie, 2013; external communication). Additionally, another variant at the same codon, c.1052T>C, (p.F351S), has been identified in individual(s) with features consistent with IRF6-related disorders (external communication). This amino acid position is highly conserved in available vertebrate species. This alteration is predicted to be deleterious by in silico analysis. Based on the available evidence, this alteration is classified as likely pathogenic.

Blueprint Genetics
Classification: Likely pathogenic for IRF6-related disorders. Last evaluated: 2023-06-30. Review status: criteria provided, single submitter. Criteria: ACMG Guidelines, 2015. Collection method: clinical testing. Allele origin: germline. Affected: yes. Observed: 2 variant alleles.

Literature cited by the submitters: PubMed 23154523 (cited by Ambry Genetics).

NM_006147.4(IRF6):c.1051T>C (p.Phe351Leu)

Gene: IRF6 (interferon regulatory factor 6; minus strand). Cytogenetic location: 1q32.2.
Variant type: single nucleotide variant.
Coding change: c.1051T>C on transcript NM_006147.4 (MANE Select); coding-DNA position 1051, T replaced by C.
Protein change: p.Phe351Leu; replaces phenylalanine 351 with leucine.
Molecular consequence: missense variant.
Genome position (GRCh38, 1-based): chr1:209,790,504, A>G on the plus strand (T>C on the coding strand, the complement: IRF6 is on the minus strand). VCF-style: chr1-209790504-A-G. GRCh37 (hg19) VCF-style: chr1-209963849-A-G.
Other names: c.766T>C, p.Phe256Leu (NM_001206696.2); short protein forms F256L, F351L.
Identifiers: ClinVar variation 4840238 (VCV004840238.2).